The following is an entry in ClinVar:

ClinVar aggregate classification (germline): Uncertain significance (1 of 4 stars; one submission).

Submission:

Labcorp Genetics (formerly Invitae), Labcorp
Classification: Uncertain significance. Last evaluated: 2024-12-17. Review status: criteria provided, single submitter. Criteria: Invitae Variant Classification Sherloc (09022015). Collection method: clinical testing. Allele origin: germline.
Comment: This sequence change replaces leucine, which is neutral and non-polar, with proline, which is neutral and non-polar, at codon 733 of the REST protein (p.Leu733Pro). This variant is not present in population databases (gnomAD no frequency). This variant has not been reported in the literature in individuals affected with REST-related conditions. An algorithm developed to predict the effect of missense changes on protein structure and function outputs the following: PolyPhen-2: "Benign". The proline amino acid residue is found in multiple mammalian species, which suggests that this missense change does not adversely affect protein function. In summary, the available evidence is currently insufficient to determine the role of this variant in disease. Therefore, it has been classified as a Variant of Uncertain Significance.

NM_005612.5(REST):c.2198T>C (p.Leu733Pro)

Gene: REST (RE1 silencing transcription factor; plus strand). Cytogenetic location: 4q12.
Variant type: single nucleotide variant.
Coding change: c.2198T>C on transcript NM_005612.5 (MANE Select); coding-DNA position 2198, T replaced by C.
Protein change: p.Leu733Pro; replaces leucine 733 with proline.
Molecular consequence: missense variant.
Genome position (GRCh38, 1-based): chr4:56,931,056, T>C. VCF-style: chr4-56931056-T-C. GRCh37 (hg19) VCF-style: chr4-57797222-T-C.
Other names: c.2198T>C, p.Leu733Pro (NM_001193508.2, NM_001363453.3); short protein forms L733P.
Identifiers: ClinVar variation 3623877 (VCV003623877.2).